The following is an entry in ClinVar:

ClinVar aggregate classification (germline): Uncertain significance (1 of 4 stars; one submission).

Conditions:
Cystic fibrosis (CF). Also called: MUCOVISCIDOSIS. Identifiers: Orphanet 586, MedGen C0010674, MONDO:0009061, OMIM 219700. Disease mechanism: loss of function.

Submission:

Institute of Human Genetics, University of Leipzig Medical Center
Classification: Uncertain significance for Cystic fibrosis. Last evaluated: 2023-07-26. Review status: criteria provided, single submitter. Criteria: ACMG Guidelines, 2015. Collection method: curation. Allele origin: unknown. Affected: yes. Observed: 1 variant allele.
Comment: This variant was classified based on the report of 1 patient with a clinically confirmed diagnosis of cystic fibrosis in the context of re-classifying variants in the German Cystic Fibrosis Registry (Muko e.V.). Patients have not been seen personally, but only reports were evaluated. Criteria applied:PP3, PM2_SUP

NM_000492.4(CFTR):c.722G>A (p.Gly241Glu)

Gene: CFTR (CF transmembrane conductance regulator; plus strand). Cytogenetic location: 7q31.2.
Variant type: single nucleotide variant.
Coding change: c.722G>A on transcript NM_000492.4 (MANE Select); coding-DNA position 722, G replaced by A.
Protein change: p.Gly241Glu; replaces glycine 241 with glutamic acid.
Molecular consequence: missense variant.
Genome position (GRCh38, 1-based): chr7:117,535,390, G>A. VCF-style: chr7-117535390-G-A. GRCh37 (hg19) VCF-style: chr7-117175444-G-A.
Other names: G241E.
Identifiers: ClinVar variation 2579737 (VCV002579737.1), dbSNP rs2485017514, ClinGen allele CA368977151.
Genomic context (GRCh38, chr7:117,535,390, plus strand): 5'-CGTCTGCCTTCTGTGGACTTGGTTTCCTGATAGTCCTTGCCCTTTTTCAGGCTGGGCTAG[G>A]GAGAATGATGATGAAGTACAGGTAGCAACCTATTTTCATAACTTGAAAGTTTTAAAAATT-3'
Protein context (NP_000483.3, residues 231-251): IVLALFQAGL[Gly241Glu]RMMMKYRDQR